The following is an entry in ClinVar:

ClinVar aggregate classification (germline): Uncertain significance. Review status: criteria provided, multiple submitters, no conflicts (2 of 4 stars). 3 submissions from 3 submitters: Uncertain significance (3). Last evaluated 2024-05-23.

Conditions:
Dyskeratosis congenita, autosomal recessive 6 (DKCB6). Identifiers: MedGen C4225356, MONDO:0014600, OMIM 616353.
Pulmonary fibrosis and/or bone marrow failure, Telomere-related, 4. Also called: PULMONARY FIBROSIS AND/OR BONE MARROW FAILURE SYNDROME, TELOMERE-RELATED, 4. Identifiers: Orphanet 2032, MedGen C4225347, MONDO:0014612, OMIM 616371.

Allele frequency attached by ClinVar (database versions not stated): gnomAD 0.00001; gnomAD exomes 0.00001; TOPMed 0.00003.
gnomAD v4.1: 9 of 1,613,112 alleles (0.00056%); highest among the groups gnomAD compares: East Asian, 0.0089%; no homozygotes.

Submissions (3):

Fulgent Genetics
Classification: Uncertain significance for Dyskeratosis congenita, autosomal recessive 6; Pulmonary fibrosis and/or bone marrow failure, Telomere-related, 4. Last evaluated: 2024-05-23. Review status: criteria provided, single submitter. Criteria: ACMG Guidelines, 2015. Collection method: clinical testing. Allele origin: germline.

Labcorp Genetics (formerly Invitae), Labcorp
Classification: Uncertain significance for Dyskeratosis congenita, autosomal recessive 6; Pulmonary fibrosis and/or bone marrow failure, Telomere-related, 4. Last evaluated: 2024-02-17. Review status: criteria provided, single submitter. Criteria: Invitae Variant Classification Sherloc (09022015). Collection method: clinical testing. Allele origin: germline.
Comment: This sequence change replaces lysine, which is basic and polar, with arginine, which is basic and polar, at codon 612 of the PARN protein (p.Lys612Arg). This variant is present in population databases (no rsID available, gnomAD 0.006%). This variant has not been reported in the literature in individuals affected with PARN-related conditions. ClinVar contains an entry for this variant (Variation ID: 1051000). An algorithm developed to predict the effect of missense changes on protein structure and function (PolyPhen-2) suggests that this variant is likely to be tolerated. In summary, the available evidence is currently insufficient to determine the role of this variant in disease. Therefore, it has been classified as a Variant of Uncertain Significance.

Blueprint Genetics
Classification: Uncertain significance. Last evaluated: 2020-08-24. Review status: criteria provided, single submitter. Criteria: ACMG Guidelines, 2015. Collection method: clinical testing. Allele origin: germline.

NM_002582.4(PARN):c.1835A>G (p.Lys612Arg)

Gene: PARN (poly(A)-specific ribonuclease; minus strand). Cytogenetic location: 16p13.12.
Variant type: single nucleotide variant.
Coding change: c.1835A>G on transcript NM_002582.4 (MANE Select); coding-DNA position 1835, A replaced by G.
Protein change: p.Lys612Arg; replaces lysine 612 with arginine.
Molecular consequence: missense variant.
Genome position (GRCh38, 1-based): chr16:14,446,917, T>C on the plus strand (A>G on the coding strand, the complement: PARN is on the minus strand). VCF-style: chr16-14446917-T-C. GRCh37 (hg19) VCF-style: chr16-14540774-T-C.
Other names: c.1652A>G, p.Lys551Arg (NM_001134477.3); c.1697A>G, p.Lys566Arg (NM_001242992.2); c.1835A>G (NM_002582.3); short protein forms K551R, K566R, K612R.
Identifiers: ClinVar variation 1051000 (VCV001051000.11), dbSNP rs1361443338, ClinGen allele CA395184265.